The following is an entry in ClinVar:

ClinVar aggregate classification (germline): Uncertain significance (1 of 4 stars; one submission).

Conditions:
Inborn genetic diseases. Identifiers: MedGen C0950123, MeSH D030342.

Submission:

Ambry Genetics
Classification: Uncertain significance for Inborn genetic diseases. Last evaluated: 2025-01-06. Review status: criteria provided, single submitter. Criteria: Ambry Variant Classification Scheme 2023. Collection method: clinical testing. Allele origin: germline.
Comment: The p.I681N variant (also known as c.2042T>A), located in coding exon 14 of the ERCC6L2 gene, results from a T to A substitution at nucleotide position 2042. The isoleucine at codon 681 is replaced by asparagine, an amino acid with dissimilar properties. This amino acid position is conserved. In addition, this alteration is predicted to be tolerated by in silico analysis. Based on the available evidence, the clinical significance of this variant remains unclear.

NM_020207.7(ERCC6L2):c.2042T>A (p.Ile681Asn)

Gene: ERCC6L2 (ERCC excision repair 6 like 2; plus strand). Cytogenetic location: 9q22.32.
Variant type: single nucleotide variant.
Coding change: c.2042T>A on transcript NM_020207.7 (MANE Select); coding-DNA position 2042, T replaced by A.
Protein change: p.Ile681Asn; replaces isoleucine 681 with asparagine.
Molecular consequence: missense variant. On other transcripts: non-coding transcript variant (1).
Genome position (GRCh38, 1-based): chr9:95,966,656, T>A. VCF-style: chr9-95966656-T-A. GRCh37 (hg19) VCF-style: chr9-98728938-T-A.
Other names: c.2042T>A, p.Ile681Asn (NM_001010895.4, NM_001375291.1, NM_001375292.1 and 2 more transcripts); short protein forms I681N.
Identifiers: ClinVar variation 3845846 (VCV003845846.1).